The following is an entry in ClinVar:

ClinVar aggregate classification (germline): Likely pathogenic. Review status: criteria provided, multiple submitters, no conflicts (2 of 4 stars). 2 submissions from 2 submitters: Likely pathogenic (2). Last evaluated 2021-11-19.

Conditions:
Hereditary cancer-predisposing syndrome. Also called: Hereditary neoplastic syndrome; Tumor predisposition; Neoplastic Syndromes, Hereditary; Hereditary Cancer Syndrome. Identifiers: Orphanet 140162, MedGen C0027672, MeSH D009386, MONDO:0015356.
Multiple endocrine neoplasia, type 1 (MEN1). Also called: MEN I; Endocrine adenomatosis multiple; MEN 1; WERMER SYNDROME; MEA I. Identifiers: Orphanet 652, MedGen C0025267, MeSH D018761, MONDO:0007540, OMIM 131100.

Submissions (2):

Ambry Genetics
Classification: Likely pathogenic for Hereditary cancer-predisposing syndrome. Last evaluated: 2021-11-19. Review status: criteria provided, single submitter. Criteria: Ambry Variant Classification Scheme 2023. Collection method: clinical testing. Allele origin: germline.
Comment: The p.S427R variant (also known as c.1281T>A), located in coding exon 8 of the MEN1 gene, results from a T to A substitution at nucleotide position 1281. The serine at codon 427 is replaced by arginine, an amino acid with dissimilar properties. This alteration has been detected in multiple individuals affected with multiple endocrine neoplasia type 1 (MEN1) (Kouvaraki MA et al. Arch Surg. 2002;137:641-647; Dackiw AP et al. Surgery, 1999 Dec;126:1097-103; discussion 1103-4; Ambry internal data). This variant is considered to be rare based on population cohorts in the Genome Aggregation Database (gnomAD). This amino acid position is highly conserved in available vertebrate species. In addition, this alteration is predicted to be deleterious by in silico analysis. Based on the majority of available evidence to date, this variant is likely to be pathogenic.

ARUP Laboratories, Molecular Genetics and Genomics, ARUP Laboratories
Classification: Likely pathogenic for Multiple endocrine neoplasia, type 1. Last evaluated: 2018-11-12. Review status: criteria provided, single submitter. Criteria: ARUP Molecular Germline Variant Investigation Process. Collection method: clinical testing. Allele origin: germline.
Comment: The MEN1 c.1281T>A; p.Ser427Arg variant is reported in the literature in multiple individuals affected with multiple endocrine neoplasia type 1 (Kouvaraki 2002, Ambry Genetics). This variant is reported in ClinVar (Variation ID: 428072), and is absent from general population databases (1000 Genomes Project, Exome Variant Server, and Genome Aggregation Database), indicating it is not a common polymorphism. The serine at codon 427 is highly conserved, and computational analyses (SIFT, PolyPhen-2) predict that this variant is deleterious. Additionally, other variants at this codon (c.1279A>C, p.Ser427Arg; c.1280G>T, p.Ser427Ile) have been reported in individuals with multiple endocrine neoplasia type 1 (Schaaf 2007, Ambry Genetics). Based on available information, the c.1281T>A; p.Ser427Arg variant is considered to be likely pathogenic. References: Kouvaraki MA et al. Genotype-phenotype analysis in multiple endocrine neoplasia type 1. Arch Surg. 2002 Jun;137(6):641-7. Schaaf L et al. Developing effective screening strategies in multiple endocrine neoplasia type 1 (MEN 1) on the basis of clinical and sequencing data of German patients with MEN 1. Exp Clin Endocrinol Diabetes. 2007 Sep;115(8):509-17.

Literature cited by the submitters: PubMed 10598193 (cited by Ambry Genetics); PubMed 10660339 (cited by Ambry Genetics); PubMed 17853334 (cited by Ambry Genetics).

NM_001370259.2(MEN1):c.1281T>A (p.Ser427Arg)

Gene: MEN1 (menin 1; minus strand). Cytogenetic location: 11q13.1.
Variant type: single nucleotide variant.
Coding change: c.1281T>A on transcript NM_001370259.2 (MANE Select); coding-DNA position 1281, T replaced by A.
Protein change: p.Ser427Arg; replaces serine 427 with arginine.
Molecular consequence: missense variant.
Genome position (GRCh38, 1-based): chr11:64,805,103, A>T on the plus strand (T>A on the coding strand, the complement: MEN1 is on the minus strand). VCF-style: chr11-64805103-A-T. GRCh37 (hg19) VCF-style: chr11-64572575-A-T.
Other names: c.1281T>A, p.Ser427Arg (NM_001370260.2, NM_001370261.2, NM_130799.3); c.1176T>A, p.Ser392Arg (NM_001370262.2, NM_001370263.2); c.1296T>A, p.Ser432Arg (NM_130800.3, NM_130801.3, NM_130802.3 and 3 more transcripts); c.1407T>A, p.Ser469Arg (NM_001370251.2); short protein forms S427R, S432R, S392R, S469R.
Identifiers: ClinVar variation 428072 (VCV000428072.12), dbSNP rs1114167528, ClinGen allele CA381180331.
Genomic context (GRCh38, chr11:64,805,103, plus strand): 5'-AAAACGGCCTAGGGACTGCACAAGAAAGGTGGCCCAGCCCACATGCAGCACAGGCGTGGG[A>T]CTGCCCTCCTCCCATTTGCAGATGCCGTCGTAGAATCGCAGCAGGTGGGCGAAGCACTCA-3'
Protein context (NP_001357188.2, residues 417-437): YDGICKWEEG[Ser427Arg]PTPVLHVGWA